The following is an entry in ClinVar:

NM_000053.4(ATP7B):c.3941C>T (p.Ser1314Phe)

Gene: ATP7B (ATPase copper transporting beta; minus strand). Cytogenetic location: 13q14.3.
Variant type: single nucleotide variant.
Coding change: c.3941C>T on transcript NM_000053.4 (MANE Select); coding-DNA position 3941, C replaced by T.
Protein change: p.Ser1314Phe; replaces serine 1314 with phenylalanine.
Molecular consequence: missense variant.
Genome position (GRCh38, 1-based): chr13:51,937,356, G>A on the plus strand (C>T on the coding strand, the complement: ATP7B is on the minus strand). VCF-style: chr13-51937356-G-A. GRCh37 (hg19) VCF-style: chr13-52511492-G-A.
Other names: c.3320C>T, p.Ser1107Phe (NM_001005918.3); c.3608C>T, p.Ser1203Phe (NM_001243182.2); c.3941C>T, p.Ser1314Phe (NM_001406511.1, NM_001406512.1); c.3689C>T, p.Ser1230Phe (NM_001330579.2, NM_001406531.1, NM_001406532.1); c.3707C>T, p.Ser1236Phe (NM_001330578.2, NM_001406527.1, NM_001406528.1); c.3935C>T, p.Ser1312Phe (NM_001406513.1); c.3908C>T, p.Ser1303Phe (NM_001406514.1); c.3887C>T, p.Ser1296Phe (NM_001406515.1, NM_001406516.1); and 21 more; short protein forms S1033F, S1087F, S1098F, S1107F, S1120F, S1150F, S1152F, S1165F.
Identifiers: ClinVar variation 3074484 (VCV003074484.1), dbSNP rs1957030159, ClinGen allele CA388021142.

ClinVar aggregate classification (germline): Uncertain significance (1 of 4 stars; one submission).

Conditions:
Wilson disease (WND). Also called: Wilson's disease. Identifiers: Orphanet 905, MedGen C0019202, MONDO:0010200, OMIM 277900. Disease mechanism: loss of function.

Allele frequency attached by ClinVar (database versions not stated): TOPMed below 0.00001.

Submission:

All of Us Research Program, National Institutes of Health
Classification: Uncertain significance for Wilson disease. Last evaluated: 2023-11-20. Review status: criteria provided, single submitter. Criteria: ACMG Guidelines, 2015. Collection method: clinical testing. Allele origin: germline. Inheritance: Autosomal recessive inheritance. Observed: 1 variant allele, 1 heterozygote.
Comment: This missense variant replaces serine with phenylalanine at codon 1314 of the ATP7B protein. Computational prediction suggests that this variant may have deleterious impact on protein structure and function (internally defined REVEL score threshold >= 0.7, PMID: 27666373). To our knowledge, functional studies have not been reported for this variant. This variant has not been reported in individuals affected with ATP7B-related disorders in the literature. This variant has not been identified in the general population by the Genome Aggregation Database (gnomAD). The available evidence is insufficient to determine the role of this variant in disease conclusively. Therefore, this variant is classified as a Variant of Uncertain Significance.

This study involves interpretation of variants in research participants for the purpose of population health screening. Participant phenotype was not available at the time of variant classification. Additional details can be found in publication PMID: 35346344, PMCID: PMC8962531